The following is an entry in ClinVar:

ClinVar aggregate classification (germline): Benign/Likely benign. Review status: criteria provided, multiple submitters, no conflicts (2 of 4 stars). 4 submissions from 4 submitters: Benign (2); Likely benign (1). 1 of the submissions does not count toward it. Last evaluated 2025-10-27.

Conditions:
TOP2B-related disorder. Also called: TOP2B-related condition.

Submissions (4):

Labcorp Genetics (formerly Invitae), Labcorp
Classification: Benign. Last evaluated: 2025-10-27. Review status: criteria provided, single submitter. Criteria: Invitae Variant Classification Sherloc (09022015). Collection method: clinical testing. Allele origin: germline.

Blueprint Genetics
Classification: Likely benign. Last evaluated: 2024-11-26. Review status: criteria provided, single submitter. Criteria: ACMG Guidelines, 2015. Collection method: clinical testing. Allele origin: germline.

CeGaT Center for Human Genetics Tuebingen
Classification: Benign. Last evaluated: 2024-02-01. Review status: criteria provided, single submitter. Criteria: CeGaT Center For Human Genetics Tuebingen Variant Classification Criteria Version 2. Collection method: clinical testing. Allele origin: germline. Affected: yes. Observed: 2 variant alleles.
Comment: TOP2B: BS1, BS2

PreventionGenetics, part of Exact Sciences
Classification: Likely benign for TOP2B-related condition. Last evaluated: 2023-12-29. Review status: no assertion criteria provided. Collection method: clinical testing. Allele origin: germline. Not counted in ClinVar's aggregate classification.
Comment: This variant is classified as likely benign based on ACMG/AMP sequence variant interpretation guidelines (Richards et al. 2015 PMID: 25741868, with internal and published modifications).

NM_001330700.2(TOP2B):c.396-11_396-5del

Gene: TOP2B (DNA topoisomerase II beta; minus strand). Cytogenetic location: 3p24.2.
Variant type: Deletion.
Coding change: c.396-11_396-5del on transcript NM_001330700.2 (MANE Select); 11 bases into the intron before coding-DNA position 396 through 5 bases into the intron before coding-DNA position 396, 7 bases deleted (TTTTTTT; older notation c.396-11_396-5delTTTTTTT).
Molecular consequence: intron variant.
Genome position (GRCh38, 1-based): chr3:25,638,315-25,638,321, AAAAAAA deleted on the plus strand (TTTTTTT on the coding strand, the reverse complement: TOP2B is on the minus strand); deleting any 7 consecutive bases within chr3:25,638,315-25,638,352 gives the same sequence; the c. name uses the placement nearest the transcript's 3' end. VCF-style (leftmost placement, unchanged base first): chr3-25638314-TAAAAAAA-T. GRCh37 (hg19) VCF-style: chr3-25679805-TAAAAAAA-T.
Other names: c.381-11_381-5del (NM_001068.3); c.396-11_396-5del7 (NM_001330700.1).
Identifiers: ClinVar variation 1536334 (VCV001536334.33), dbSNP rs56986587, ClinGen allele CA905648740.
Genomic context (GRCh38, chr3:25,638,314, plus strand): 5'-TGTTCTACTACTGGAATGCCTTTCCCATTATTCCAAATGCTTATAATGTTAGATTCACTG[TAAAAAAA>T]AAAAAAAAAAAAAAAAAAAAAAAAAAAAAAAGCAGAATTTAGAGCTTAAAATAGTAAAGA-3'